The following is an entry in ClinVar:

NM_000179.3(MSH6):c.2572T>C (p.Phe858Leu)

Gene: MSH6 (mutS homolog 6; plus strand). Cytogenetic location: 2p16.3.
Variant type: single nucleotide variant.
Coding change: c.2572T>C on transcript NM_000179.3 (MANE Select); coding-DNA position 2572, T replaced by C.
Protein change: p.Phe858Leu; replaces phenylalanine 858 with leucine.
Molecular consequence: missense variant.
Genome position (GRCh38, 1-based): chr2:47,800,555, T>C. VCF-style: chr2-47800555-T-C. GRCh37 (hg19) VCF-style: chr2-48027694-T-C.
Other names: c.2182T>C, p.Phe728Leu (NM_001281492.2); c.1666T>C, p.Phe556Leu (NM_001281493.2, NM_001281494.2, NM_001406811.1 and 6 more transcripts); c.2668T>C, p.Phe890Leu (NM_001406795.1, NM_001406802.1); c.2572T>C, p.Phe858Leu (NM_001406796.1, NM_001406798.1, NM_001406800.1 and 2 more transcripts); c.2275T>C, p.Phe759Leu (NM_001406797.1, NM_001406801.1, NM_001406805.1 and 10 more transcripts); c.2047T>C, p.Phe683Leu (NM_001406799.1, NM_001406806.1, NM_001406807.1); c.2494T>C, p.Phe832Leu (NM_001406804.1); c.2578T>C, p.Phe860Leu (NM_001406813.1); and 1 more; short protein forms F832L, F890L, F556L, F802L, F683L, F728L, F759L, F858L.
Identifiers: ClinVar variation 1793267 (VCV001793267.2), dbSNP rs2104413316, ClinGen allele CA346754738.

ClinVar aggregate classification (germline): Uncertain significance (1 of 4 stars; one submission).

Conditions:
Hereditary cancer-predisposing syndrome. Also called: Tumor predisposition; Hereditary Cancer Syndrome; Neoplastic Syndromes, Hereditary; Hereditary neoplastic syndrome. Identifiers: Orphanet 140162, MedGen C0027672, MeSH D009386, MONDO:0015356.

Submission:

Ambry Genetics
Classification: Uncertain significance for Hereditary cancer-predisposing syndrome. Last evaluated: 2022-10-25. Review status: criteria provided, single submitter. Criteria: Ambry Variant Classification Scheme 2023. Collection method: clinical testing. Allele origin: germline.
Comment: The p.F858L variant (also known as c.2572T>C), located in coding exon 4 of the MSH6 gene, results from a T to C substitution at nucleotide position 2572. The phenylalanine at codon 858 is replaced by leucine, an amino acid with highly similar properties. This amino acid position is highly conserved in available vertebrate species. In addition, this alteration is predicted to be deleterious by in silico analysis. Since supporting evidence is limited at this time, the clinical significance of this alteration remains unclear.